The following is an entry in ClinVar:

ClinVar aggregate classification (germline): Uncertain significance. Review status: reviewed by expert panel (3 of 4 stars). 3 submissions from 3 submitters: Uncertain significance (1). 2 of the submissions do not count toward it. Last evaluated 2025-02-25.

Conditions:
Inborn genetic diseases. Identifiers: MedGen C0950123, MeSH D030342.
Hereditary thrombocytopenia and hematological cancer predisposition syndrome associated with RUNX1. Also called: RUNX1 Familial Platelet Disorder with Associated Myeloid Malignancies; Familial Platelet Disorder with Propensity to Acute Myelogenous Leukemia; Familial thrombocytopenia with propensity to acute myelogenous leukemia; PLATELET DISORDER, ASPIRIN-LIKE. Identifiers: Orphanet 71290, MedGen C1832388, MeSH C563324, MONDO:0100083, OMIM 601399.
Hereditary thrombocytopenia and hematologic cancer predisposition syndrome. Identifiers: Orphanet 71290, MedGen CN281654, MONDO:0011071.

Submissions (3):

ClinGen Myeloid Malignancy Variant Curation Expert Panel
Classification: Uncertain significance for Hereditary thrombocytopenia and hematologic cancer predisposition syndrome. Last evaluated: 2025-02-25. Review status: reviewed by expert panel. Criteria: ClinGen MyeloMalig ACMG Specifications v2. Collection method: curation. Allele origin: germline. Inheritance: Autosomal dominant inheritance.
Comment: NM_001754.5(RUNX1):c.26C>T (p.Ser9Leu) is a missense variant that is completely absent from all population databases with at least 20x coverage for RUNX1 (PM2_Supporting). In summary, the clinical significance of this variant is uncertain. ACMG/AMP criteria applied, as specified by the Myeloid Malignancy Variant Curation Expert Panel for RUNX1: PM2_Supporting.

Ambry Genetics
Classification: Uncertain significance for Inborn genetic diseases. Last evaluated: 2025-08-06. Review status: criteria provided, single submitter. Criteria: Ambry Variant Classification Scheme 2023. Collection method: clinical testing. Allele origin: germline. Not counted in ClinVar's aggregate classification.
Comment: The p.S9L variant (also known as c.26C>T), located in coding exon 1 of the RUNX1 gene, results from a C to T substitution at nucleotide position 26. The serine at codon 9 is replaced by leucine, an amino acid with dissimilar properties. This amino acid position is highly conserved in available vertebrate species. In addition, this alteration is predicted to be deleterious by in silico analysis. Based on the available evidence, the clinical significance of this variant remains unclear.

Labcorp Genetics (formerly Invitae), Labcorp
Classification: Uncertain significance for Hereditary thrombocytopenia and hematological cancer predisposition syndrome associated with RUNX1. Last evaluated: 2021-04-16. Review status: criteria provided, single submitter. Criteria: Invitae Variant Classification Sherloc (09022015). Collection method: clinical testing. Allele origin: germline. Not counted in ClinVar's aggregate classification.
Comment: In summary, the available evidence is currently insufficient to determine the role of this variant in disease. Therefore, it has been classified as a Variant of Uncertain Significance. Algorithms developed to predict the effect of missense changes on protein structure and function are either unavailable or do not agree on the potential impact of this missense change (SIFT: "Tolerated"; PolyPhen-2: "Probably Damaging"; Align-GVGD: "Class C0"). This variant has not been reported in the literature in individuals with RUNX1-related conditions. This variant is not present in population databases (ExAC no frequency). This sequence change replaces serine with leucine at codon 9 of the RUNX1 protein (p.Ser9Leu). The serine residue is weakly conserved and there is a large physicochemical difference between serine and leucine.

NM_001754.5(RUNX1):c.26C>T (p.Ser9Leu)

Gene: RUNX1 (RUNX family transcription factor 1; minus strand). Cytogenetic location: 21q22.12.
Variant type: single nucleotide variant.
Coding change: c.26C>T on transcript NM_001754.5 (MANE Select); coding-DNA position 26, C replaced by T.
Protein change: p.Ser9Leu; replaces serine 9 with leucine.
Molecular consequence: missense variant.
Genome position (GRCh38, 1-based): chr21:35,048,874, G>A on the plus strand (C>T on the coding strand, the complement: RUNX1 is on the minus strand). VCF-style: chr21-35048874-G-A. GRCh37 (hg19) VCF-style: chr21-36421171-G-A.
Other names: NM_001754.5(RUNX1):c.26C>T; p.Ser9Leu; c.26C>T (NM_001754.4); short protein forms S9L.
Identifiers: ClinVar variation 1477479 (VCV001477479.10), dbSNP rs2147041888, ClinGen allele CA410208255.
Genomic context (GRCh38, chr21:35,048,874, plus strand): 5'-AGATATTACAAGACCAGCATGTACTCACCTCTCATGAAGCACTGTGGGTACGAAGGAAAT[G>A]ACTCAAATATGCTGTCTGAAGCCATCGCTTCCTCCTGAAAATGCACCCTCTTCTGAAGGC-3'
Protein context (NP_001745.2, residues 1-19): MASDSIFE[Ser9Leu]FPSYPQCFMR